The following is an entry in ClinVar:

NM_020975.6(RET):c.2365A>C (p.Lys789Gln)

Gene: RET (ret proto-oncogene; plus strand). Cytogenetic location: 10q11.21.
Variant type: single nucleotide variant.
Coding change: c.2365A>C on transcript NM_020975.6 (MANE Select); coding-DNA position 2365, A replaced by C.
Protein change: p.Lys789Gln; replaces lysine 789 with glutamine.
Molecular consequence: missense variant.
Genome position (GRCh38, 1-based): chr10:43,118,453, A>C. VCF-style: chr10-43118453-A-C. GRCh37 (hg19) VCF-style: chr10-43613901-A-C.
Other names: c.2365A>C, p.Lys789Gln (NM_000323.2, NM_001406743.1, NM_001406744.1 and 4 more transcripts); c.1603A>C, p.Lys535Gln (NM_001355216.2); c.2236A>C, p.Lys746Gln (NM_001406761.1, NM_001406762.1, NM_001406764.1); c.2230A>C, p.Lys744Gln (NM_001406763.1, NM_001406765.1); c.2077A>C, p.Lys693Gln (NM_001406766.1, NM_001406767.1, NM_001406770.1); c.2101A>C, p.Lys701Gln (NM_001406768.1); c.1969A>C, p.Lys657Gln (NM_001406769.1, NM_001406772.1); c.1927A>C, p.Lys643Gln (NM_001406771.1, NM_001406773.1); and 10 more; short protein forms K535Q, K789Q, K306Q, K394Q, K447Q, K490Q, K547Q, K614Q.
Identifiers: ClinVar variation 821156 (VCV000821156.6), dbSNP rs1352006130, ClinGen allele CA376555845.

ClinVar aggregate classification (germline): Uncertain significance (1 of 4 stars; one submission).

Conditions:
Hereditary cancer-predisposing syndrome. Also called: Neoplastic Syndromes, Hereditary; Tumor predisposition; Hereditary Cancer Syndrome; Hereditary neoplastic syndrome. Identifiers: Orphanet 140162, MedGen C0027672, MeSH D009386, MONDO:0015356.

Submission:

Ambry Genetics
Classification: Uncertain significance for Hereditary cancer-predisposing syndrome. Last evaluated: 2019-03-11. Review status: criteria provided, single submitter. Criteria: Ambry Variant Classification Scheme 2023. Collection method: clinical testing. Allele origin: germline.
Comment: The p.K789Q variant (also known as c.2365A>C), located in coding exon 13 of the RET gene, results from an A to C substitution at nucleotide position 2365. The lysine at codon 789 is replaced by glutamine, an amino acid with similar properties. This amino acid position is well conserved in available vertebrate species. In addition, the in silico prediction for this alteration is inconclusive. Since supporting evidence is limited at this time, the clinical significance of this alteration remains unclear.